The following is an entry in ClinVar:

NM_182476.3(COQ6):c.248dup (p.Tyr83Ter)

Gene: COQ6 (coenzyme Q6, monooxygenase; plus strand). Cytogenetic location: 14q24.3.
Variant type: Duplication.
Coding change: c.248dup on transcript NM_182476.3 (MANE Select); coding-DNA position 248, one base duplicated (A; older notation c.248dupA).
Protein change: p.Tyr83Ter; replaces tyrosine 83 with a stop codon.
Molecular consequence: nonsense.
Genome position (GRCh38, 1-based): chr14:73,953,519, A duplicated. VCF-style (leftmost placement, unchanged base first): chr14-73953518-T-TA. GRCh37 (hg19) VCF-style: chr14-74420221-T-TA.
Other names: c.248dupA (NM_182476.3, NM_182476.2); c.173dup, p.Tyr58Ter (NM_182480.3); short protein forms Y83*, Y58*.
Identifiers: ClinVar variation 2977155 (VCV002977155.5), dbSNP rs768167170, ClinGen allele CA7264093.

ClinVar aggregate classification (germline): Pathogenic. Review status: criteria provided, multiple submitters, no conflicts (2 of 4 stars). 3 submissions from 3 submitters: Pathogenic (3). Last evaluated 2025-03-25.

Conditions:
COQ6-related disorder. Also called: COQ6-related condition.
Familial steroid-resistant nephrotic syndrome with sensorineural deafness. Identifiers: Orphanet 280406, MedGen C3553349, MONDO:0013836, OMIM 614650.

Allele frequency attached by ClinVar (database versions not stated): ExAC 0.00001; gnomAD 0.00001; TOPMed 0.00001; gnomAD exomes 0.00002.

Submissions (3):

Variantyx, Inc.
Classification: Pathogenic for Familial steroid-resistant nephrotic syndrome with sensorineural deafness. Last evaluated: 2025-03-25. Review status: criteria provided, single submitter. Criteria: Variantyx Assertion Criteria 2022. Collection method: clinical testing. Allele origin: germline. Inheritance: Autosomal recessive inheritance.
Comment: This is a nonsense variant in the COQ6 gene (OMIM: 614647) Pathogenic variants in this gene have been associated with primary coenzyme Q10 deficiency 6 (COQ10D6). The alteration creates a premature stop codon in exon 2 of 12 exons, resulting in a truncated protein that is expected to undergo NMD. Loss-of-function variants in COQ6 are known to be pathogenic (PMID: 21540551, 24140869) (PVS1). This variant has a 0.002966% maximum allele frequency in non-founder control populations (PM2). It was found in individuals with another pathogenic COQ6 variant in trans that exhibited a phenotype consistent with clinical presentations of COQ10D6 (PMID:35111204) (PM3). Based on the evidence, this variant has been classified as pathogenic for primary coenzyme Q10 deficiency 6.

PreventionGenetics, part of Exact Sciences
Classification: Pathogenic for COQ6-related condition. Last evaluated: 2024-12-31. Review status: criteria provided, single submitter. Criteria: ACMG Guidelines, 2015. Collection method: clinical testing. Allele origin: germline.
Comment: The COQ6 c.248dupA variant is predicted to result in premature protein termination (p.Tyr83*). To our knowledge, this variant has not been reported in the literature. An alternate nucleotide change resulting in the same amino acid change (c.249C>G, p.Tyr83*) has been reported in the compound heterozygous state in siblings with primary coenzyme Q10 deficiency-6 (Wang et al. 2022. PubMed ID: 35111204). This variant is reported in 0.0040% of alleles in individuals of African descent in gnomAD. Nonsense variants in COQ6 are expected to be pathogenic. This variant is interpreted as pathogenic.

Labcorp Genetics (formerly Invitae), Labcorp
Classification: Pathogenic. Last evaluated: 2023-05-29. Review status: criteria provided, single submitter. Criteria: Invitae Variant Classification Sherloc (09022015). Collection method: clinical testing. Allele origin: germline.
Comment: This sequence change creates a premature translational stop signal (p.Tyr83*) in the COQ6 gene. It is expected to result in an absent or disrupted protein product. Loss-of-function variants in COQ6 are known to be pathogenic (PMID: 21540551, 24140869). For these reasons, this variant has been classified as Pathogenic. This premature translational stop signal has been observed in individual(s) with primary coenzyme Q10 deficiency (PMID: 35111204). This variant is present in population databases (rs768167170, gnomAD 0.004%).

Literature cited by the submitters: PubMed 21540551 (cited by Variantyx, Inc. and Labcorp Genetics (formerly Invitae), Labcorp); PubMed 24140869 (cited by Variantyx, Inc. and Labcorp Genetics (formerly Invitae), Labcorp); PubMed 35111204 (cited by Variantyx, Inc. and Labcorp Genetics (formerly Invitae), Labcorp).